The following is an entry in ClinVar:

NM_000548.5(TSC2):c.3397+7C>T

Gene: TSC2 (TSC complex subunit 2; plus strand). Cytogenetic location: 16p13.3.
Variant type: single nucleotide variant.
Coding change: c.3397+7C>T on transcript NM_000548.5 (MANE Select); 7 bases into the intron after coding-DNA position 3397, C replaced by T.
Molecular consequence: intron variant.
Genome position (GRCh38, 1-based): chr16:2,079,676, C>T. VCF-style: chr16-2079676-C-T. GRCh37 (hg19) VCF-style: chr16-2129677-C-T.
Other names: c.3397+7C>T (NM_001114382.3); c.3268+7C>T (NM_021055.3, NM_001370405.1, NM_001363528.2); c.3265+7C>T (NM_001370404.1, NM_001077183.3); c.3157+7C>T (NM_001318827.2); c.2665+7C>T (NM_001318831.2); c.3121+7C>T (NM_001318829.2); c.3298+7C>T (NM_001318832.2).
Identifiers: ClinVar variation 468010 (VCV000468010.36), dbSNP rs767531844, ClinGen allele CA046589.

ClinVar aggregate classification (germline): Likely benign. Review status: criteria provided, multiple submitters, no conflicts (2 of 4 stars). 3 submissions from 3 submitters: Likely benign (3). Last evaluated 2026-01-20.

Conditions:
Tuberous sclerosis 2 (TSC2). Identifiers: Orphanet 805, MedGen C1860707, MONDO:0013199, OMIM 613254.

Allele frequency attached by ClinVar (database versions not stated): TOPMed below 0.00001; gnomAD 0.00001; gnomAD exomes 0.00001 and 0.00002; ExAC 0.00008.
gnomAD v4.1: 9 of 1,576,682 alleles (0.00057%); highest among the groups gnomAD compares: Non-Finnish European, 0.00077%; no homozygotes.

Submissions (3):

Labcorp Genetics (formerly Invitae), Labcorp
Classification: Likely benign for Tuberous sclerosis 2. Last evaluated: 2026-01-20. Review status: criteria provided, single submitter. Criteria: Invitae Variant Classification Sherloc (09022015). Collection method: clinical testing. Allele origin: germline.

Myriad Genetics, Inc.
Classification: Likely benign for Tuberous sclerosis 2. Last evaluated: 2025-05-29. Review status: criteria provided, single submitter. Criteria: Myriad Autosomal Dominant, Autosomal Recessive and X-Linked Classification Criteria (2023). Collection method: clinical testing. Allele origin: unknown.
Comment: This variant is considered likely benign. This variant is intronic and is not expected to impact mRNA splicing.

CeGaT Center for Human Genetics Tuebingen
Classification: Likely benign. Last evaluated: 2022-11-01. Review status: criteria provided, single submitter. Criteria: CeGaT Center For Human Genetics Tuebingen Variant Classification Criteria Version 2. Collection method: clinical testing. Allele origin: germline. Affected: yes. Observed: 1 variant allele.
Comment: TSC2: BP4